The following is an entry in ClinVar:

NM_020247.5(COQ8A):c.*349G>A

Gene: COQ8A (coenzyme Q8A; plus strand). Cytogenetic location: 1q42.13.
Variant type: single nucleotide variant.
Coding change: c.*349G>A on transcript NM_020247.5 (MANE Select); 349 bases downstream of the stop codon, G replaced by A.
Molecular consequence: 3 prime UTR variant.
Genome position (GRCh38, 1-based): chr1:226,987,086, G>A. VCF-style: chr1-226987086-G-A. GRCh37 (hg19) VCF-style: chr1-227174787-G-A.
Identifiers: ClinVar variation 296037 (VCV000296037.35), dbSNP rs113041399, ClinGen allele CA10610286.

ClinVar aggregate classification (germline): Conflicting classifications of pathogenicity. Review status: criteria provided, conflicting classifications (1 of 4 stars). 2 submissions from 2 submitters: Uncertain significance (1); Likely benign (1). Last evaluated 2023-06-01.

Allele frequency attached by ClinVar (database versions not stated): 1000 Genomes Project 30x 0.00297; 1000 Genomes Project 0.00300; TOPMed 0.00666; gnomAD 0.00699 and 0.00729.
gnomAD v4.1: 2,638 of 358,432 alleles (0.74%); highest among the groups gnomAD compares: Middle Eastern, 1.3%; 12 homozygotes.

Submissions (2):

CeGaT Center for Human Genetics Tuebingen
Classification: Likely benign. Last evaluated: 2023-06-01. Review status: criteria provided, single submitter. Criteria: CeGaT Center For Human Genetics Tuebingen Variant Classification Criteria Version 2. Collection method: clinical testing. Allele origin: germline. Affected: yes. Observed: 8 variant alleles.
Comment: COQ8A: BS1

Breakthrough Genomics
Classification: Uncertain significance. Review status: criteria provided, single submitter. Criteria: ACMG Guidelines, 2015. Collection method: not provided. Allele origin: germline. Inheritance: Autosomal recessive inheritance. Affected: yes.